The following is an entry in ClinVar:

ClinVar aggregate classification (germline): Likely benign (0 of 4 stars; one submission).

Conditions:
PLXNA3-related disorder. Also called: PLXNA3-related condition.

Allele frequency attached by ClinVar (database versions not stated): gnomAD 0.00001; TOPMed 0.00001; gnomAD exomes 0.00005; ExAC 0.00015.
gnomAD v4.1: 56 of 1,200,257 alleles (0.0047%); highest among the groups gnomAD compares: South Asian, 0.092%; no homozygotes.

Submission:

PreventionGenetics, part of Exact Sciences
Classification: Likely benign for PLXNA3-related condition. Last evaluated: 2024-02-04. Review status: no assertion criteria provided. Collection method: clinical testing. Allele origin: germline.
Comment: This variant is classified as likely benign based on ACMG/AMP sequence variant interpretation guidelines (Richards et al. 2015 PMID: 25741868, with internal and published modifications).

NM_017514.5(PLXNA3):c.2999C>T (p.Pro1000Leu)

Gene: PLXNA3 (plexin A3; plus strand). Cytogenetic location: Xq28.
Variant type: single nucleotide variant.
Coding change: c.2999C>T on transcript NM_017514.5 (MANE Select); coding-DNA position 2999, C replaced by T.
Protein change: p.Pro1000Leu; replaces proline 1000 with leucine.
Molecular consequence: missense variant.
Genome position (GRCh38, 1-based): chrX:154,466,685, C>T. VCF-style: chrX-154466685-C-T. GRCh37 (hg19) VCF-style: chrX-153695028-C-T.
Other names: short protein forms P1000L.
Identifiers: ClinVar variation 3030158 (VCV003030158.2), dbSNP rs782195255, ClinGen allele CA10564538.
Genomic context (GRCh38, chrX:154,466,685, plus strand): 5'-GAGATGCCAAGGCGATCGTGTGCATCTCACCTCTCTCCACCCTGGGCCCCAGCCAGGCCC[C>T]CATCACACTTGCCATTGACCGGGCTAACATCTCCAGCCCCGGGCTCATCTACACCTACAC-3'
Protein context (NP_059984.3, residues 990-1010): PLSTLGPSQA[Pro1000Leu]ITLAIDRANI